The following is an entry in ClinVar:

NM_000497.4(CYP11B1):c.1325C>T (p.Pro442Leu)

Genes: CYP11B1 (cytochrome P450 family 11 subfamily B member 1; minus strand), LOC106799833 (CYP11B1 recombination region; plus strand). Cytogenetic location: 8q24.3.
Variant type: single nucleotide variant.
Coding change: c.1325C>T on transcript NM_000497.4 (MANE Select); coding-DNA position 1325, C replaced by T.
Protein change: p.Pro442Leu; replaces proline 442 with leucine.
Molecular consequence: missense variant. On other transcripts: intron variant (1).
Genome position (GRCh38, 1-based): chr8:142,875,030, G>A on the plus strand (C>T on the coding strand, the complement: CYP11B1 is on the minus strand). VCF-style: chr8-142875030-G-A. GRCh37 (hg19) VCF-style: chr8-143956446-G-A.
Other names: c.1200+204C>T (NM_001026213.1); short protein forms P442L.
Identifiers: ClinVar variation 5007278 (VCV005007278.2).

ClinVar aggregate classification (germline): Uncertain significance (1 of 4 stars; one submission).

Conditions:
Deficiency of steroid 11-beta-monooxygenase (CYP11B1). Also called: ADRENAL HYPERPLASIA IV; P450C11B1 DEFICIENCY; STEROID 11-BETA-HYDROXYLASE DEFICIENCY; ADRENAL HYPERPLASIA, CONGENITAL, DUE TO STEROID 11-BETA-HYDROXYLASE DEFICIENCY; 11-BETA-HYDROXYLASE DEFICIENCY; Congenital adrenal hyperplasia due to 11-beta-hydroxylase deficiency. Identifiers: Orphanet 90795, MedGen C0268292, MONDO:0008729, OMIM 202010. Disease mechanism: loss of function.

Submission:

Juno Genomics, Hangzhou Juno Genomics, Inc
Classification: Uncertain significance for Deficiency of steroid 11-beta-monooxygenase. Review status: criteria provided, single submitter. Criteria: ACMG Guidelines, 2015. Collection method: clinical testing. Allele origin: germline.
Comment: Absent from controls (or at extremely low frequency if recessive) in Genome Aggregation Database.;Multiple lines of computational evidence support a deleterious effect on the gene or gene product.;For recessive disorders, detected in trans with a pathogenic variant.;Co-segregation with disease in multiple affected family members.;Patient's phenotype or family history is highly specific for a disease with a single genetic etiology.